The following is an entry in ClinVar:

ClinVar aggregate classification (germline): Uncertain significance (1 of 4 stars; one submission).

Submission:

Labcorp Genetics (formerly Invitae), Labcorp
Classification: Uncertain significance. Last evaluated: 2022-07-12. Review status: criteria provided, single submitter. Criteria: Invitae Variant Classification Sherloc (09022015). Collection method: clinical testing. Allele origin: germline.
Comment: In summary, the available evidence is currently insufficient to determine the role of this variant in disease. Therefore, it has been classified as a Variant of Uncertain Significance. Experimental studies and prediction algorithms are not available or were not evaluated, and the functional significance of this variant is currently unknown. ClinVar contains an entry for this variant (Variation ID: 1379134). This variant has not been reported in the literature in individuals affected with MYLK3-related conditions. This variant is not present in population databases (gnomAD no frequency). This sequence change results in a frameshift in the MYLK3 gene (p.Lys814Asnfs*20). While this is not anticipated to result in nonsense mediated decay, it is expected to disrupt the last 6 amino acid(s) of the MYLK3 protein and extend the protein by 13 additional amino acid residues.

NM_182493.3(MYLK3):c.2442del (p.Lys814fs)

Gene: MYLK3 (myosin light chain kinase 3; minus strand). Cytogenetic location: 16q11.2.
Variant type: Deletion.
Coding change: c.2442del on transcript NM_182493.3 (MANE Select); coding-DNA position 2442, one base deleted (A; older notation c.2442delA).
Protein change: p.Lys814fs; shifts the reading frame from lysine 814.
Molecular consequence: frameshift variant.
Genome position (GRCh38, 1-based): chr16:46,707,722, T deleted on the plus strand (A on the coding strand, the reverse complement: MYLK3 is on the minus strand); the first of 3 consecutive T bases (chr16:46,707,722-46,707,724); deleting any one gives the same sequence. VCF-style (leftmost placement, unchanged base first): chr16-46707721-AT-A. GRCh37 (hg19) VCF-style: chr16-46741633-AT-A.
Other names: c.1419del, p.Lys473fs (NM_001308301.1); short protein forms K473fs, K814fs.
Identifiers: ClinVar variation 1379134 (VCV001379134.6), dbSNP rs2143012168, ClinGen allele CA2573152342.